The following is an entry in ClinVar:

NM_000391.4(TPP1):c.1331C>A (p.Ala444Asp)

Gene: TPP1 (tripeptidyl peptidase 1; minus strand). Cytogenetic location: 11p15.4.
Variant type: single nucleotide variant.
Coding change: c.1331C>A on transcript NM_000391.4 (MANE Select); coding-DNA position 1331, C replaced by A.
Protein change: p.Ala444Asp; replaces alanine 444 with aspartic acid.
Molecular consequence: missense variant.
Genome position (GRCh38, 1-based): chr11:6,615,265, G>T on the plus strand (C>A on the coding strand, the complement: TPP1 is on the minus strand). VCF-style: chr11-6615265-G-T. GRCh37 (hg19) VCF-style: chr11-6636496-G-T.
Other names: p.A444D:GCC>GAC; short protein forms A444D.
Identifiers: ClinVar variation 207592 (VCV000207592.2), dbSNP rs760974302, ClinGen allele CA319210.

ClinVar aggregate classification (germline): Uncertain significance (1 of 4 stars; one submission).

Allele frequency attached by ClinVar (database versions not stated): gnomAD exomes below 0.00001; ExAC 0.00001.

Submission:

GeneDx
Classification: Uncertain significance. Last evaluated: 2014-05-20. Review status: criteria provided, single submitter. Criteria: GeneDx Variant Classification (06012015). Collection method: clinical testing. Allele origin: germline. Affected: yes.
Comment: p.Ala444Asp (GCC>GAC): c.1331 C>A in exon 11 of the TPP1 gene (NM_000391.3) The A444D variant has not been published as a mutation, nor has it been reported as a benign polymorphism to our knowledge. It was not observed in approximately 6,500 individuals of European and African American ancestry in the NHLBI Exome Sequencing Project, indicating it is not a common benign variant in these populations. This substitution occurs at a position that is not conserved across species, and in silico analysis is inconsistent in its predictions as to whether or not the variant is damaging to the protein structure/function. However, the A444D variant is a non-conservative amino acid substitution, which is likely to impact secondary protein structure as these residues differ in polarity, charge, size and/or other properties, and missense mutations in nearby residues (R447H and A448V) have been reported in association with late infantileneuronal ceroid lipofuscinosis supporting the functional importance of this region of the protein. Therefore, based on the currently available information, it is unclear whether this variant is a pathogenic mutation or a rare benign variant and is interpreted to be of uncertain significance. The variant is found in INFANT-EPI panel(s).